The following is an entry in ClinVar:

NM_001083116.3(PRF1):c.1334G>A (p.Gly445Asp)

Gene: PRF1 (perforin 1; minus strand). Cytogenetic location: 10q22.1.
Variant type: single nucleotide variant.
Coding change: c.1334G>A on transcript NM_001083116.3 (MANE Select); coding-DNA position 1334, G replaced by A.
Protein change: p.Gly445Asp; replaces glycine 445 with aspartic acid.
Molecular consequence: missense variant.
Genome position (GRCh38, 1-based): chr10:70,598,387, C>T on the plus strand (G>A on the coding strand, the complement: PRF1 is on the minus strand). VCF-style: chr10-70598387-C-T. GRCh37 (hg19) VCF-style: chr10-72358143-C-T.
Other names: c.1334G>A, p.Gly445Asp (NM_005041.6); short protein forms G445D.
Identifiers: ClinVar variation 952308 (VCV000952308.13), dbSNP rs754711256, ClinGen allele CA5538769.

ClinVar aggregate classification (germline): Uncertain significance. Review status: criteria provided, multiple submitters, no conflicts (2 of 4 stars). 3 submissions from 3 submitters: Uncertain significance (3). Last evaluated 2024-10-22.

Conditions:
Familial hemophagocytic lymphohistiocytosis 2 (FHL2). Also called: PRF1-Related Familial Hemophagocytic Lymphohistiocytosis (PRF1-fHLH). Identifiers: Orphanet 540, MedGen C1863727, MONDO:0011337, OMIM 603553.
Lymphoma, non-Hodgkin, familial. Identifiers: MedGen C4721532, MONDO:0011508, OMIM 605027.
Aplastic anemia. Identifiers: Orphanet 182040, Orphanet 88, MedGen C0002874, MONDO:0015909, OMIM 609135, HP:0001915.

Allele frequency attached by ClinVar (database versions not stated): gnomAD exomes below 0.00001 and 0.00001; ExAC 0.00001; TOPMed 0.00002.
gnomAD v4.1: 17 of 1,614,116 alleles (0.0011%); highest among the groups gnomAD compares: Non-Finnish European, 0.0014%; no homozygotes.

Submissions (3):

Labcorp Genetics (formerly Invitae), Labcorp
Classification: Uncertain significance for Familial hemophagocytic lymphohistiocytosis 2. Last evaluated: 2024-10-22. Review status: criteria provided, single submitter. Criteria: Invitae Variant Classification Sherloc (09022015). Collection method: clinical testing. Allele origin: germline.
Comment: This sequence change replaces glycine, which is neutral and non-polar, with aspartic acid, which is acidic and polar, at codon 445 of the PRF1 protein (p.Gly445Asp). This variant is present in population databases (rs754711256, gnomAD 0.0009%). This variant has not been reported in the literature in individuals affected with PRF1-related conditions. ClinVar contains an entry for this variant (Variation ID: 952308). Invitae Evidence Modeling of protein sequence and biophysical properties (such as structural, functional, and spatial information, amino acid conservation, physicochemical variation, residue mobility, and thermodynamic stability) indicates that this missense variant is not expected to disrupt PRF1 protein function with a negative predictive value of 95%. In summary, the available evidence is currently insufficient to determine the role of this variant in disease. Therefore, it has been classified as a Variant of Uncertain Significance.

Fulgent Genetics
Classification: Uncertain significance for Familial hemophagocytic lymphohistiocytosis 2; Lymphoma, non-Hodgkin, familial; Aplastic anemia. Last evaluated: 2022-03-23. Review status: criteria provided, single submitter. Criteria: ACMG Guidelines, 2015. Collection method: clinical testing. Allele origin: unknown.

Revvity Omics, Revvity
Classification: Uncertain significance. Last evaluated: 2019-01-31. Review status: criteria provided, single submitter. Criteria: ACMG Guidelines, 2015. Collection method: clinical testing. Allele origin: germline.